The following is an entry in ClinVar:

NM_001852.4(COL9A2):c.150+9C>G

Genes: COL9A2 (collagen type IX alpha 2 chain; minus strand), LOC129930260 (ATAC-STARR-seq lymphoblastoid silent region 723; plus strand). Cytogenetic location: 1p34.2.
Variant type: single nucleotide variant.
Coding change: c.150+9C>G on transcript NM_001852.4 (MANE Select); 9 bases into the intron after coding-DNA position 150, C replaced by G.
Molecular consequence: intron variant.
Genome position (GRCh38, 1-based): chr1:40,315,581, G>C on the plus strand (C>G on the coding strand, the complement: COL9A2 is on the minus strand). VCF-style: chr1-40315581-G-C. GRCh37 (hg19) VCF-style: chr1-40781253-G-C.
Identifiers: ClinVar variation 512184 (VCV000512184.4), dbSNP rs764660997, ClinGen allele CA21042435.
Genomic context (GRCh38, chr1:40,315,581, plus strand): 5'-CACAGCGCTCACAAAGTTCTCCTTTGTCTGCCGCCTCCCTCCCGCCCTGGTCTCAGGTTA[G>C]AGACTTACGTCGATGCCGTCGGATCCAGGCACTCCCGGCGGTCCCGGGGGACCCGGGGGG-3'

ClinVar aggregate classification (germline): Likely benign. Review status: criteria provided, multiple submitters, no conflicts (2 of 4 stars). 2 submissions from 2 submitters: Likely benign (2). Last evaluated 2025-12-03.

Allele frequency attached by ClinVar (database versions not stated): gnomAD 0.00001; TOPMed 0.00001; gnomAD exomes 0.00002.
gnomAD v4.1: 23 of 1,551,738 alleles (0.0015%); highest among the groups gnomAD compares: Non-Finnish European, 0.0019%; no homozygotes.

Submissions (2):

Labcorp Genetics (formerly Invitae), Labcorp
Classification: Likely benign. Last evaluated: 2025-12-03. Review status: criteria provided, single submitter. Criteria: Invitae Variant Classification Sherloc (09022015). Collection method: clinical testing. Allele origin: germline.

GeneDx
Classification: Likely benign. Last evaluated: 2017-09-19. Review status: criteria provided, single submitter. Criteria: GeneDx Variant Classification (06012015). Collection method: clinical testing. Allele origin: germline. Affected: yes.
Comment: This variant is considered likely benign or benign based on one or more of the following criteria: it is a conservative change, it occurs at a poorly conserved position in the protein, it is predicted to be benign by multiple in silico algorithms, and/or has population frequency not consistent with disease.